The following is an entry in ClinVar:

ClinVar aggregate classification (germline): Conflicting classifications of pathogenicity. Review status: criteria provided, conflicting classifications (1 of 4 stars). 9 submissions from 9 submitters: Uncertain significance (1); Benign (2); Likely benign (5). 1 of the submissions does not count toward it. Last evaluated 2026-08-01.

Conditions:
Inborn genetic diseases. Identifiers: MedGen C0950123, MeSH D030342.
Intellectual developmental disorder, autosomal dominant 6, with or without seizures. Also called: Intellectual disability, autosomal dominant 6; GRIN2B-related developmental delay, intellectual disability and autism spectrum disorder. Identifiers: Orphanet 589547, MedGen C3151411, MONDO:0013509, OMIM 613970.
Developmental and epileptic encephalopathy, 27 (DEE27). Also called: Epileptic encephalopathy, early infantile, 27; GRIN2B-Related Neurodevelopmental Disorder. Identifiers: Orphanet 3451, MedGen C4015316, MONDO:0014505, OMIM 616139.

Allele frequency attached by ClinVar (database versions not stated): 1000 Genomes Project 30x 0.00016; 1000 Genomes Project 0.00020; TOPMed 0.00040; gnomAD 0.00045 and 0.00048; ESP Exome Variant Server 0.00062; gnomAD exomes 0.00066 and 0.00080; ExAC 0.00069.
gnomAD v4.1: 1,242 of 1,614,048 alleles (0.077%); highest among the groups gnomAD compares: South Asian, 0.18%; 3 homozygotes.

Submissions (9):

CeGaT Center for Human Genetics Tuebingen
Classification: Likely benign. Last evaluated: 2026-08-01. Review status: criteria provided, single submitter. Criteria: CeGaT Center For Human Genetics Tuebingen Variant Classification Criteria Version 2. Collection method: clinical testing. Allele origin: germline. Affected: yes. Observed: 4 variant alleles.
Comment: GRIN2B: BS1

Women's Health and Genetics/Laboratory Corporation of America, LabCorp
Classification: Likely benign. Last evaluated: 2026-04-03. Review status: criteria provided, single submitter. Criteria: LabCorp Variant Classification Summary - May 2015. Collection method: clinical testing. Allele origin: germline.

Labcorp Genetics (formerly Invitae), Labcorp
Classification: Benign for Developmental and epileptic encephalopathy, 27; Intellectual developmental disorder, autosomal dominant 6, with or without seizures. Last evaluated: 2026-01-27. Review status: criteria provided, single submitter. Criteria: Invitae Variant Classification Sherloc (09022015). Collection method: clinical testing. Allele origin: germline.

Blueprint Genetics
Classification: Likely benign. Last evaluated: 2024-11-21. Review status: criteria provided, single submitter. Criteria: ACMG Guidelines, 2015. Collection method: clinical testing. Allele origin: germline.

Clinical Genetics DNA and cytogenetics Diagnostics Lab, Erasmus MC, Erasmus Medical Center
Classification: Likely benign for Intellectual developmental disorder, autosomal dominant 6, with or without seizures. Last evaluated: 2017-08-03. Review status: criteria provided, single submitter. Criteria: ACGS Guidelines, 2013. Collection method: clinical testing. Allele origin: germline. Affected: yes. Study: VKGL Data-share Consensus.

Ambry Genetics
Classification: Likely benign for Inborn genetic diseases. Last evaluated: 2017-03-09. Review status: criteria provided, single submitter. Criteria: Ambry Variant Classification Scheme 2023. Collection method: clinical testing. Allele origin: germline.

GeneDx
Classification: Benign. Last evaluated: 2015-09-29. Review status: criteria provided, single submitter. Criteria: GeneDx Variant Classification (06012015). Collection method: clinical testing. Allele origin: germline. Affected: yes.
Comment: This variant is considered likely benign or benign based on one or more of the following criteria: it is a conservative change, it occurs at a poorly conserved position in the protein, it is predicted to be benign by multiple in silico algorithms, and/or has population frequency not consistent with disease.

Genetic Services Laboratory, University of Chicago
Classification: Uncertain significance. Last evaluated: 2015-05-13. Review status: criteria provided, single submitter. Criteria: ACMG Guidelines, 2015. Collection method: clinical testing. Allele origin: germline.

Diagnostic Laboratory, Department of Genetics, University Medical Center Groningen
Classification: Likely benign for Intellectual developmental disorder, autosomal dominant 6, with or without seizures. Review status: no assertion criteria provided. Collection method: clinical testing. Allele origin: germline. Affected: yes. Study: VKGL Data-share Consensus. Not counted in ClinVar's aggregate classification.

NM_000834.5(GRIN2B):c.1851C>T (p.Ser617=)

Gene: GRIN2B (glutamate ionotropic receptor NMDA type subunit 2B; minus strand). Cytogenetic location: 12p13.1.
Variant type: single nucleotide variant.
Coding change: c.1851C>T on transcript NM_000834.5 (MANE Select); coding-DNA position 1851, C replaced by T.
Protein change: p.Ser617=; no amino-acid change (serine 617 retained).
Molecular consequence: synonymous variant.
Genome position (GRCh38, 1-based): chr12:13,608,762, G>A on the plus strand (C>T on the coding strand, the complement: GRIN2B is on the minus strand). VCF-style: chr12-13608762-G-A. GRCh37 (hg19) VCF-style: chr12-13761696-G-A.
Identifiers: ClinVar variation 211121 (VCV000211121.39), dbSNP rs147373250, ClinGen allele CA206743.